The following is an entry in ClinVar:

ClinVar aggregate classification (germline): Conflicting classifications of pathogenicity. Review status: criteria provided, conflicting classifications (1 of 4 stars). 7 submissions from 7 submitters: Uncertain significance (1); Benign (5); Likely benign (1). Last evaluated 2026-07-01.

Conditions:
Polyglandular autoimmune syndrome, type 1 (APS1). Also called: Autoimmune polyendocrine syndrome type 1; Autoimmune polyendocrinopathy syndrome, type I; Autoimmune polyendocrinopathy syndrome , type I, with or without reversible metaphyseal dysplasia; AUTOIMMUNE POLYENDOCRINE SYNDROME, TYPE I, WITH OR WITHOUT REVERSIBLE METAPHYSEAL DYSPLASIA; APS I; HYPOADRENOCORTICISM WITH HYPOPARATHYROIDISM AND SUPERFICIAL MONILIASIS. Identifiers: Orphanet 3453, MedGen C0085859, MONDO:0009411, OMIM 240300.

Allele frequency attached by ClinVar (database versions not stated): 1000 Genomes Project 30x 0.00921; 1000 Genomes Project 0.00739; gnomAD exomes 0.01314 and 0.01606; gnomAD 0.01211 and 0.01242; ESP Exome Variant Server 0.01523; TOPMed 0.01241; ExAC 0.01308.
gnomAD v4.1: 24,460 of 1,561,414 alleles (1.6%); highest among the groups gnomAD compares: Middle Eastern, 3%; 262 homozygotes.

Submissions (13):

CeGaT Center for Human Genetics Tuebingen
Classification: Benign. Last evaluated: 2026-07-01. Review status: criteria provided, single submitter. Criteria: CeGaT Center For Human Genetics Tuebingen Variant Classification Criteria Version 2. Collection method: clinical testing. Allele origin: germline. Affected: yes. Observed: 36 variant alleles.
Comment: AIRE: BS1, BS2

Labcorp Genetics (formerly Invitae), Labcorp
Classification: Benign for Polyglandular autoimmune syndrome, type 1. Last evaluated: 2026-02-04. Review status: criteria provided, single submitter. Criteria: Invitae Variant Classification Sherloc (09022015). Collection method: clinical testing. Allele origin: germline.

Blueprint Genetics
Classification: Likely benign. Last evaluated: 2024-11-28. Review status: criteria provided, single submitter. Criteria: ACMG Guidelines, 2015. Collection method: clinical testing. Allele origin: germline.

Athena Diagnostics
Classification: Benign. Last evaluated: 2018-03-12. Review status: criteria provided, single submitter. Criteria: Athena Diagnostics Criteria. Collection method: clinical testing. Allele origin: germline.

Eurofins Ntd Llc (ga)
Classification: Benign. Last evaluated: 2017-03-15. Review status: criteria provided, single submitter. Criteria: EGL Classification Definitions 2015. Collection method: clinical testing. Allele origin: germline. Observed: 1 variant allele, 1 heterozygote.

GeneDx
Classification: Benign. Last evaluated: 2015-03-03. Review status: criteria provided, single submitter. Criteria: GeneDx Variant Classification Process June 2021. Collection method: clinical testing. Allele origin: germline. Affected: yes.
Comment: This variant is associated with the following publications: (PMID: 27884173)

Women's Health and Genetics/Laboratory Corporation of America, LabCorp
Classification: Uncertain significance for Autoimmune Polyglandular Syndrome Type 1. Last evaluated: 2011-08-18. Review status: criteria provided, single submitter. Criteria: LabCorp Variant Classification Summary - May 2015. Collection method: curation, clinical testing. Allele origin: germline. Inheritance: autosomal unknown. Affected: yes.
ClinVar note: Converted during submission from uncertain to Uncertain significance.

Dr. Peter K. Rogan Lab, Western University
No classification provided (evidence only). Condition: Lung cancer. Review status: no classification provided. Collection method: in vitro. Allele origin: not applicable. Functional consequence: retained intron. Not counted in ClinVar's aggregate classification.

Dr. Peter K. Rogan Lab, Western University
No classification provided (evidence only). Condition: Uterine corpus endometrial carcinoma. Review status: no classification provided. Collection method: in vitro. Allele origin: not applicable. Functional consequence: retained intron. Not counted in ClinVar's aggregate classification.

Dr. Peter K. Rogan Lab, Western University
No classification provided (evidence only). Condition: Sarcoma. Review status: no classification provided. Collection method: in vitro. Allele origin: not applicable. Functional consequence: retained intron. Not counted in ClinVar's aggregate classification.

Dr. Peter K. Rogan Lab, Western University
No classification provided (evidence only). Condition: Cholangiocarcinoma. Review status: no classification provided. Collection method: in vitro. Allele origin: not applicable. Functional consequence: retained intron. Not counted in ClinVar's aggregate classification.

Dr. Peter K. Rogan Lab, Western University
No classification provided (evidence only). Condition: Ovarian serous cystadenocarcinoma. Review status: no classification provided. Collection method: in vitro. Allele origin: not applicable. Functional consequence: retained intron. Not counted in ClinVar's aggregate classification.

Dr. Peter K. Rogan Lab, Western University
No classification provided (evidence only). Condition: Gastric cancer. Review status: no classification provided. Collection method: in vitro. Allele origin: not applicable. Functional consequence: retained intron. Not counted in ClinVar's aggregate classification.

Literature cited by the submitters: PubMed 27884173 (cited by Athena Diagnostics).

NM_000383.4(AIRE):c.652+14C>T

Gene: AIRE (autoimmune regulator; plus strand). Cytogenetic location: 21q22.3.
Variant type: single nucleotide variant.
Coding change: c.652+14C>T on transcript NM_000383.4 (MANE Select); 14 bases into the intron after coding-DNA position 652, C replaced by T.
Molecular consequence: intron variant.
Genome position (GRCh38, 1-based): chr21:44,288,472, C>T. VCF-style: chr21-44288472-C-T. GRCh37 (hg19) VCF-style: chr21-45708355-C-T.
Other names: c.652+14C>T (LRG_18t1).
Identifiers: ClinVar variation 35667 (VCV000035667.51), dbSNP rs41277546, ClinGen allele CA213513.
Genomic context (GRCh38, chr21:44,288,472, plus strand): 5'-CCGAGGGGCCGTGGAGGGGATCCTCATCCAGCAGGTGTTTGAGTCAGGTAGACGCTGTGG[C>T]GGGGAGATGGGGCTGATGGGGAGACCCAGGCTCCAAGATGGAAGGAGGACCACGCCCCTT-3'